The following is an entry in ClinVar:

NM_001371904.1(APOA5):c.907del (p.Ile303fs)

Gene: APOA5 (apolipoprotein A5; minus strand). Cytogenetic location: 11q23.3.
Variant type: Deletion.
Coding change: c.907del on transcript NM_001371904.1 (MANE Select); coding-DNA position 907, one base deleted (A; older notation c.907delA).
Protein change: p.Ile303fs; shifts the reading frame from isoleucine 303.
Molecular consequence: frameshift variant.
Genome position (GRCh38, 1-based): chr11:116,790,322, T deleted on the plus strand (A on the coding strand, the reverse complement: APOA5 is on the minus strand). VCF-style (leftmost placement, unchanged base first): chr11-116790321-AT-A. GRCh37 (hg19) VCF-style: chr11-116661037-AT-A.
Other names: c.907del, p.Ile303fs (NM_001166598.2, NM_052968.5); short protein forms I303fs.
Identifiers: ClinVar variation 4850156 (VCV004850156.1).

ClinVar aggregate classification (germline): Likely pathogenic (1 of 4 stars; one submission).

Conditions:
Autosomal dominant APOA5-related disorders.

Submission:

Variantyx, Inc.
Classification: Likely pathogenic for Autosomal dominant APOA5-related disorders. Last evaluated: 2025-12-05. Review status: criteria provided, single submitter. Criteria: Variantyx Assertion Criteria 2022. Collection method: clinical testing. Allele origin: germline. Inheritance: Autosomal dominant inheritance. Affected: yes.
Comment: This is a frameshift variant in the APOA5 gene (OMIM: 606368). Pathogenic variants in this gene have been associated with autosomal dominant APOA5-related disorders. This variant introduces a premature termination codon in exon 3 out of 3 and is expected to result in loss of function, which is a known disease mechanism for APOA5 in these disorders (PMID: 21993410, 27578109) (PVS1). This variant is absent from control populations (PM2).¬†This variant has not been reported in individuals with APOA5-related disorders in the databases available for review. Based on the current evidence, this variant is classified as likely pathogenic for autosomal dominant APOA5-related disorders.

Literature cited by the submitters: PubMed 21993410; PubMed 27578109.